The following is an entry in ClinVar:

NM_000053.4(ATP7B):c.2064C>A (p.Ile688=)

Gene: ATP7B (ATPase copper transporting beta; minus strand). Cytogenetic location: 13q14.3.
Variant type: single nucleotide variant.
Coding change: c.2064C>A on transcript NM_000053.4 (MANE Select); coding-DNA position 2064, C replaced by A.
Protein change: p.Ile688=; no amino-acid change (isoleucine 688 retained).
Molecular consequence: synonymous variant. On other transcripts: intron variant (13).
Genome position (GRCh38, 1-based): chr13:51,960,205, G>T on the plus strand (C>A on the coding strand, the complement: ATP7B is on the minus strand). VCF-style: chr13-51960205-G-T. GRCh37 (hg19) VCF-style: chr13-52534341-G-T.
Other names: c.2064C>A, p.Ile688= (NM_001406537.1, NM_001406538.1, NM_001330578.2 and 16 more transcripts); c.1635C>A, p.Ile545= (NM_001406539.1); c.1870-2598C>A (NM_001406541.1, NM_001005918.3, NM_001406546.1 and 1 more transcripts); c.1870-1661C>A (NM_001406531.1, NM_001406532.1, NM_001406540.1 and 1 more transcripts); c.1774-1661C>A (NM_001406543.1); c.1286-10044C>A (NM_001406548.1); c.1708-2598C>A (NM_001406547.1, NM_001406545.1); c.1774-2598C>A (NM_001406544.1); and 3 more.
Identifiers: ClinVar variation 3385468 (VCV003385468.1).

ClinVar aggregate classification (germline): Likely benign (1 of 4 stars; one submission).

Conditions:
Wilson disease (WND). Also called: Wilson's disease. Identifiers: Orphanet 905, MedGen C0019202, MONDO:0010200, OMIM 277900. Disease mechanism: loss of function.

Submission:

All of Us Research Program, National Institutes of Health
Classification: Likely benign for Wilson disease. Last evaluated: 2024-07-10. Review status: criteria provided, single submitter. Criteria: ACMG Guidelines, 2015. Collection method: clinical testing. Allele origin: germline. Inheritance: Autosomal recessive inheritance. Observed: 1 variant allele, 1 heterozygote.
Comment: This study involves interpretation of variants in research participants for the purpose of population health screening. Participant phenotype was not available at the time of variant classification. Additional details can be found in publication PMID: 35346344, PMCID: PMC8962531